The following is an entry in ClinVar:

NM_018972.4(GDAP1):c.117+28G>A

Genes: GDAP1 (ganglioside induced differentiation associated protein 1; plus strand), LOC130000622 (ATAC-STARR-seq lymphoblastoid active region 27542; plus strand). Cytogenetic location: 8q21.11.
Variant type: single nucleotide variant.
Coding change: c.117+28G>A on transcript NM_018972.4 (MANE Select); 28 bases into the intron after coding-DNA position 117, G replaced by A.
Molecular consequence: intron variant.
Genome position (GRCh38, 1-based): chr8:74,350,606, G>A. VCF-style: chr8-74350606-G-A. GRCh37 (hg19) VCF-style: chr8-75262841-G-A.
Other names: c.117+28G>A (NM_001362931.2, NM_001362930.2); c.-66+28G>A (NM_001362929.2); c.-18+28G>A (NM_001362932.2); c.-64+134G>A (NM_001040875.4).
Identifiers: ClinVar variation 670530 (VCV000670530.5), dbSNP rs4321999, ClinGen allele CA4785030.

ClinVar aggregate classification (germline): Benign. Review status: criteria provided, multiple submitters, no conflicts (2 of 4 stars). 7 submissions from 4 submitters: Benign (7). Last evaluated 2021-08-10.

Conditions:
Charcot-Marie-Tooth disease, axonal, with vocal cord paresis, autosomal recessive. Also called: CHARCOT-MARIE-TOOTH DISEASE, TYPE 4A, AXONAL FORM; CHARCOT-MARIE-TOOTH NEUROPATHY, AXONAL, WITH VOCAL CORD PARESIS, AUTOSOMAL RECESSIVE; CMT2 WITH VOCAL CORD PARESIS, AUTOSOMAL RECESSIVE. Identifiers: Orphanet 101097, MedGen C1843183, MONDO:0011898, OMIM 607706.
Charcot-Marie-Tooth disease type 4A. Also called: Charcot-Marie-Tooth disease, demyelinating, autosomal recessive, type 4a. Identifiers: Orphanet 99948, MedGen C1859198, MONDO:0008961, OMIM 214400.
Charcot-Marie-Tooth disease. Also called: Charcot-Marie-Tooth Hereditary Neuropathy; Charcot-Marie-Tooth Neuropathy. Identifiers: Orphanet 166, MedGen C0007959, MONDO:0015626.
Charcot-Marie-Tooth disease axonal type 2K (CMT2K). Also called: CHARCOT-MARIE-TOOTH DISEASE, AXONAL, AUTOSOMAL RECESSIVE, TYPE 2K; CHARCOT-MARIE-TOOTH NEUROPATHY, AXONAL, TYPE 2K; Charcot-Marie-Tooth disease type 2K. Identifiers: Orphanet 101097, Orphanet 99944, MedGen C1842983, MONDO:0011916, OMIM 607831.
Charcot-Marie-Tooth disease recessive intermediate A (CMTRIA). Also called: CHARCOT-MARIE-TOOTH NEUROPATHY, RECESSIVE INTERMEDIATE A. Identifiers: Orphanet 217055, MedGen C1842197, MONDO:0012014, OMIM 608340.

Allele frequency attached by ClinVar (database versions not stated): 1000 Genomes Project 0.98902; 1000 Genomes Project 30x 0.98907; TOPMed 0.99222; gnomAD 0.99273 and 0.99293; ESP Exome Variant Server 0.99285; ExAC 0.99526; gnomAD exomes 0.99774.
gnomAD v4.1: 1,359,173 of 1,363,106 alleles (100%); highest among the groups gnomAD compares: East Asian, 100%; 677,670 homozygotes.

Submissions (7):

Genome-Nilou Lab
Classification: Benign for Charcot-Marie-Tooth disease axonal type 2K. Last evaluated: 2021-08-10. Review status: criteria provided, single submitter. Criteria: ACMG Guidelines, 2015. Collection method: clinical testing. Allele origin: germline. Affected: no.

Genome-Nilou Lab
Classification: Benign for Charcot-Marie-Tooth disease, axonal, with vocal cord paresis, autosomal recessive. Last evaluated: 2021-08-10. Review status: criteria provided, single submitter. Criteria: ACMG Guidelines, 2015. Collection method: clinical testing. Allele origin: germline. Affected: no.

Genome-Nilou Lab
Classification: Benign for Charcot-Marie-Tooth disease recessive intermediate A. Last evaluated: 2021-08-10. Review status: criteria provided, single submitter. Criteria: ACMG Guidelines, 2015. Collection method: clinical testing. Allele origin: germline. Affected: no.

Genome-Nilou Lab
Classification: Benign for Charcot-Marie-Tooth disease type 4A. Last evaluated: 2021-08-10. Review status: criteria provided, single submitter. Criteria: ACMG Guidelines, 2015. Collection method: clinical testing. Allele origin: germline. Affected: no.

GeneDx
Classification: Benign. Last evaluated: 2018-06-14. Review status: criteria provided, single submitter. Criteria: GeneDx Variant Classification (06012015). Collection method: clinical testing. Allele origin: germline. Affected: yes.
Comment: This variant is considered likely benign or benign based on one or more of the following criteria: it is a conservative change, it occurs at a poorly conserved position in the protein, it is predicted to be benign by multiple in silico algorithms, and/or has population frequency not consistent with disease.

Breakthrough Genomics
Classification: Benign. Review status: criteria provided, single submitter. Criteria: ACMG Guidelines, 2015. Collection method: not provided. Allele origin: germline. Inheritance: Autosomal recessive inheritance. Affected: yes.

Molecular Genetics Laboratory, London Health Sciences Centre
Classification: Benign for Charcot-Marie-Tooth disease. Review status: criteria provided, single submitter. Criteria: ACMG Guidelines, 2015. Collection method: clinical testing. Allele origin: germline. Affected: yes.